The following is an entry in ClinVar:

ClinVar aggregate classification (germline): Uncertain significance. Review status: criteria provided, multiple submitters, no conflicts (2 of 4 stars). 2 submissions from 2 submitters: Uncertain significance (2). Last evaluated 2024-02-14.

Conditions:
Charcot-Marie-Tooth disease. Also called: Charcot-Marie-Tooth Hereditary Neuropathy; Charcot-Marie-Tooth Neuropathy. Identifiers: Orphanet 166, MedGen C0007959, MONDO:0015626.
Combined oxidative phosphorylation deficiency. Identifiers: MedGen C4540031, MONDO:0000732.
Charcot-Marie-Tooth Neuropathy X. Identifiers: MedGen CN118851.

Allele frequency attached by ClinVar (database versions not stated): gnomAD exomes 0.00001; TOPMed 0.00001; gnomAD 0.00005 and 0.00006.
gnomAD v4.1: 19 of 1,209,983 alleles (0.0016%); highest among the groups gnomAD compares: Admixed American, 0.0066%; 1 homozygote.

Submissions (2):

Labcorp Genetics (formerly Invitae), Labcorp
Classification: Uncertain significance for Charcot-Marie-Tooth Neuropathy X; Combined oxidative phosphorylation deficiency. Last evaluated: 2024-02-14. Review status: criteria provided, single submitter. Criteria: Invitae Variant Classification Sherloc (09022015). Collection method: clinical testing. Allele origin: germline.
Comment: This sequence change replaces isoleucine, which is neutral and non-polar, with valine, which is neutral and non-polar, at codon 543 of the AIFM1 protein (p.Ile543Val). This variant is present in population databases (no rsID available, gnomAD 0.007%). This variant has not been reported in the literature in individuals affected with AIFM1-related conditions. ClinVar contains an entry for this variant (Variation ID: 916843). Algorithms developed to predict the effect of missense changes on protein structure and function output the following: SIFT: "Not Available"; PolyPhen-2: "Benign"; Align-GVGD: "Not Available". The valine amino acid residue is found in multiple mammalian species, which suggests that this missense change does not adversely affect protein function. In summary, the available evidence is currently insufficient to determine the role of this variant in disease. Therefore, it has been classified as a Variant of Uncertain Significance.

Molecular Genetics Laboratory, London Health Sciences Centre
Classification: Uncertain significance for Charcot-Marie-Tooth disease. Review status: criteria provided, single submitter. Criteria: ACMG Guidelines, 2015. Collection method: clinical testing. Allele origin: germline. Affected: yes.

NM_004208.4(AIFM1):c.1627A>G (p.Ile543Val)

Genes: RAB33A (RAB33A, member RAS oncogene family; plus strand), AIFM1 (apoptosis inducing factor mitochondria associated 1; minus strand). Cytogenetic location: Xq26.1.
Variant type: single nucleotide variant.
Coding change: c.1627A>G on transcript NM_004208.4 (MANE Select); coding-DNA position 1627, A replaced by G.
Protein change: p.Ile543Val; replaces isoleucine 543 with valine.
Molecular consequence: missense variant. On other transcripts: 3 prime UTR variant (1), non-coding transcript variant (1).
Genome position (GRCh38, 1-based): chrX:130,130,113, T>C on the plus strand (A>G on the coding strand, the complement: AIFM1 is on the minus strand). VCF-style: chrX-130130113-T-C. GRCh37 (hg19) VCF-style: chrX-129264088-T-C.
Other names: c.*855A>G (NM_001130847.4); c.1615A>G, p.Ile539Val (NM_145812.3); c.610A>G, p.Ile204Val (NM_001130846.4); short protein forms I204V, I539V, I543V.
Identifiers: ClinVar variation 916843 (VCV000916843.10), dbSNP rs1175521163, ClinGen allele CA414569155.
Genomic context (GRCh38, chrX:130,130,113, plus strand): 5'-CTTTGCCGTAGTCCTCCCCCTGGACGGGAGCCTGTGGAACTGCCGGGGTGCTGGGAGGAA[T>C]AGTAATTTCTGAGGCCTCGGACTCTGTCTCACTCTCTGATCGGATACCAGTTCCTGTGGC-3'
Protein context (NP_004199.1, residues 533-553): ETESEASEIT[Ile543Val]PPSTPAVPQA